The following is an entry in ClinVar:

ClinVar aggregate classification (germline): Uncertain significance (1 of 4 stars; one submission).

Submission:

Labcorp Genetics (formerly Invitae), Labcorp
Classification: Uncertain significance. Last evaluated: 2022-02-21. Review status: criteria provided, single submitter. Criteria: Invitae Variant Classification Sherloc (09022015). Collection method: clinical testing. Allele origin: germline.
Comment: This sequence change replaces glutamine, which is neutral and polar, with glutamic acid, which is acidic and polar, at codon 166 of the DBR1 protein (p.Gln166Glu). This variant is not present in population databases (gnomAD no frequency). This variant has not been reported in the literature in individuals affected with DBR1-related conditions. Algorithms developed to predict the effect of missense changes on protein structure and function (SIFT, PolyPhen-2, Align-GVGD) all suggest that this variant is likely to be tolerated. Algorithms developed to predict the effect of sequence changes on RNA splicing suggest that this variant may create or strengthen a splice site. In summary, the available evidence is currently insufficient to determine the role of this variant in disease. Therefore, it has been classified as a Variant of Uncertain Significance.

NM_016216.4(DBR1):c.496C>G (p.Gln166Glu)

Gene: DBR1 (debranching RNA lariats 1; minus strand). Cytogenetic location: 3q22.3.
Variant type: single nucleotide variant.
Coding change: c.496C>G on transcript NM_016216.4 (MANE Select); coding-DNA position 496, C replaced by G.
Protein change: p.Gln166Glu; replaces glutamine 166 with glutamic acid.
Molecular consequence: missense variant.
Genome position (GRCh38, 1-based): chr3:138,167,299, G>C on the plus strand (C>G on the coding strand, the complement: DBR1 is on the minus strand). VCF-style: chr3-138167299-G-C. GRCh37 (hg19) VCF-style: chr3-137886141-G-C.
Other names: short protein forms Q166E.
Identifiers: ClinVar variation 2101235 (VCV002101235.1), dbSNP rs2042934790, ClinGen allele CA354676171.